The following is an entry in ClinVar:

ClinVar aggregate classification (germline): Pathogenic/Likely pathogenic. Review status: criteria provided, multiple submitters, no conflicts (2 of 4 stars). 5 submissions from 5 submitters: Pathogenic (3); Likely pathogenic (1). 1 of the submissions does not count toward it. Last evaluated 2025-07-28.

Conditions:
alpha Thalassemia. Also called: Alpha thalassemia spectrum. Identifiers: Orphanet 846, MedGen C0002312, MONDO:0011399, OMIM 604131.
HEMOGLOBIN SEAL ROCK.

gnomAD v4.1: 7 of 1,608,140 alleles (0.00044%); highest among the groups gnomAD compares: African/African-American, 0.0042%; no homozygotes.

Submissions (5):

Natera, Inc.
Classification: Pathogenic for Alpha thalassemia. Last evaluated: 2025-07-28. Review status: criteria provided, single submitter. Criteria: Natera Variant Classification Schema (03/2026). Collection method: clinical testing. Allele origin: germline.
Comment: The c.427T>G variant in HBA2 is a stop-loss variant predicted to disrupt the normal termination codon and extend translation beyond the canonical stop site. This variant is rare in the general population with a frequency below the threshold expected for the associated phenotype(s). This variant has been observed in one or more individuals affected with the associated recessive disease, as either homozygous or compound heterozygous with a second variant (PMID: 9255612). Given the available evidence, this variant is classified as Pathogenic.

Quest Diagnostics Nichols Institute San Juan Capistrano
Classification: Pathogenic. Last evaluated: 2024-02-09. Review status: criteria provided, single submitter. Criteria: Quest Diagnostics criteria. Collection method: clinical testing. Allele origin: unknown.
Comment: The c.427T>G (p.*143Gluext*31) pathogenic variant leads to the replacement of the normal stop codon by a glutamic acid and extension of the alpha-globin chain by 31 amino acids (p.*143Gluext*31). Individuals positive for this variant and the -alpha3.7 deletion have a clinical presentation that is comparable to that of mild Hb H disease (see Hb Var and PMID: 9255612 (1997)). Based on the available information, this variant is classified as pathogenic.

Labcorp Genetics (formerly Invitae), Labcorp
Classification: Likely pathogenic. Last evaluated: 2023-08-07. Review status: criteria provided, single submitter. Criteria: Invitae Variant Classification Sherloc (09022015). Collection method: clinical testing. Allele origin: germline.
Comment: This sequence change disrupts the translational stop signal of the HBA2 mRNA. It is expected to extend the length of the HBA2 protein by 31 additional amino acid residues. This variant is present in population databases (rs41464951, gnomAD 0.01%). This protein extension has been observed in individual(s) with thalassemia (PMID: 9255612). In at least one individual the data is consistent with being in trans (on the opposite chromosome) from a pathogenic variant. This variant is also known as Hb Seal Rock. ClinVar contains an entry for this variant (Variation ID: 15653). This variant results in an extension of the HBA2 protein. Other variant(s) that result in a similarly extended protein product (p.*143Glnext*31) have been determined to be pathogenic (PMID: 2298455, 4944483, 6725554, 9057661, 12393486, 20507641). This suggests that these extensions are likely to be disease-causing. In summary, the currently available evidence indicates that the variant is pathogenic, but additional data are needed to prove that conclusively. Therefore, this variant has been classified as Likely Pathogenic.

ARUP Laboratories, Molecular Genetics and Genomics, ARUP Laboratories
Classification: Pathogenic. Last evaluated: 2021-08-05. Review status: criteria provided, single submitter. Criteria: ARUP Molecular Germline Variant Investigation Process 2021. Collection method: clinical testing. Allele origin: germline.
Comment: The Hb Seal Rock variant (HBA2: c.427T>G; p.Ter143Glu, also known as Ter142Glu when numbered from the mature protein, rs41464951) is described in the literature in individuals with HbH disease who carry alpha globin deletions on the opposite chromosome (Das 2014, Merritt 1997, see HbVar link). This variant is reported in ClinVar (Variation ID: 15653), and found in the general population with a low overall allele frequency of 0.003% (1/30200 alleles) in the Genome Aggregation Database. This variant abolishes the canonical termination codon, resulting in an elongated protein that is unstable, similar to other stop loss variants (Hb Constant Spring, Hb Icaria)(see HbVar links and references therein). Based on available information, the Hb Seal Rock variant is considered to be pathogenic. References: Link to HbVar database for Hb Constant Spring: Link to HbVar database for Hb Icaria: Link to HbVar database for Hb Seal Rock: Das R et al. Wide Spectrum of Molecular and Clinical Heterogeneity in HbH Disease in North Indian Patients. Blood 124.21 (2014): 1358. Web. 21 Aug. 2018. Merritt D et al. Hb Seal Rock ((alpha 2)142 term-->Glu, codon 142 TAA-->GAA): an extended alpha chain variant associated with anemia, microcytosis, and alpha-thalassemia-2 (-3.7 Kb). Hemoglobin. 1997 Jul;21(4):331-44.

OMIM
Classification: other for HEMOGLOBIN SEAL ROCK. Last evaluated: 2018-05-22. Review status: no assertion criteria provided. Collection method: literature only. Allele origin: germline. Not counted in ClinVar's aggregate classification.

Literature cited by the submitters: PubMed 9255612 (cited by 3 submitters); PubMed 25786670 (cited by Quest Diagnostics Nichols Institute San Juan Capistrano); PubMed 29115167 (cited by Quest Diagnostics Nichols Institute San Juan Capistrano); PubMed 14587048 (cited by Quest Diagnostics Nichols Institute San Juan Capistrano); PubMed 20507641 (cited by Quest Diagnostics Nichols Institute San Juan Capistrano and Labcorp Genetics (formerly Invitae), Labcorp); PubMed 26460264 (cited by Quest Diagnostics Nichols Institute San Juan Capistrano); PubMed 2298455 (cited by Labcorp Genetics (formerly Invitae), Labcorp); PubMed 4944483 (cited by Labcorp Genetics (formerly Invitae), Labcorp); PubMed 6725554 (cited by Labcorp Genetics (formerly Invitae), Labcorp); PubMed 9057661 (cited by Labcorp Genetics (formerly Invitae), Labcorp); PubMed 12393486 (cited by Labcorp Genetics (formerly Invitae), Labcorp); Bradley, T. B., Wehl, R. C., Smith, G. J. Elongation of the alpha globin chain in a black family: interaction with Hb G Philadelphia. (Abstract) Clin. Res. 23: 131A, 1975. (cited by OMIM); Bunn, H. F., Forget, B. G. Hemoglobin: Molecular, Genetic and Clinical Aspects. Philadelphia: W. B. Saunders (pub.) 1986. P. 408. (cited by OMIM).

NM_000517.4(HBA2):c.427T>G (p.Ter143Glu)

Genes: HBA2 (hemoglobin subunit alpha 2; plus strand), LOC106804612 (hemoglobin subunit alpha 2 recombination region; plus strand). Cytogenetic location: 16p13.3.
Variant type: single nucleotide variant.
Coding change: c.427T>G on transcript NM_000517.4; coding-DNA position 427, T replaced by G.
Protein change: p.Ter143Glu.
Molecular consequence: stop lost (on NM_000517.6).
Genome position (GRCh38, 1-based): chr16:173,598, T>G. VCF-style: chr16-173598-T-G. GRCh37 (hg19) VCF-style: chr16-223597-T-G.
Other names: *142E; *143E; c.427T>G (NM_000517.5); c.427T>G, p.Ter143Glu (NM_000517.6).
Identifiers: ClinVar variation 15653 (VCV000015653.23), dbSNP rs41464951, ClinGen allele CA125597.